The following is an entry in ClinVar:

ClinVar aggregate classification (germline): Likely pathogenic (1 of 4 stars; one submission).

Conditions:
Hereditary spastic paraplegia 7 (SPG7). Also called: Autosomal recessive spastic paraplegia type 7; SPASTIC PARAPLEGIA 7, AUTOSOMAL RECESSIVE, WITH OR WITHOUT CEREBELLAR ATAXIA; Spastic paraplegia 7; Hereditary spastic paraplegia Paraplegin type; SPG7-related neurologic disorder. Identifiers: Orphanet 99013, MedGen C1846564, MONDO:0011803, OMIM 607259.

Submission:

PROSPAX: an integrated multimodal progression  chart in spastic ataxias, Center for Neurology; Hertie-Institute for Clinical Brain Research
Classification: Likely pathogenic for Hereditary spastic paraplegia 7. Last evaluated: 2022-01-01. Review status: criteria provided, single submitter. Criteria: ACMG Guidelines, 2015. Collection method: research. Allele origin: germline. Affected: yes.
Comment: Variant seen in compound het: [c.1452_1462del;c.1529C>T]

NM_003119.4(SPG7):c.1452_1462del (p.Glu484fs)

Gene: SPG7 (SPG7 matrix AAA peptidase subunit, paraplegin; plus strand). Cytogenetic location: 16q24.3.
Variant type: Deletion.
Coding change: c.1452_1462del on transcript NM_003119.4 (MANE Select); coding-DNA positions 1452 to 1462, 11 bases deleted (GAGGCGGGAGA).
Protein change: p.Glu484fs; shifts the reading frame from glutamic acid 484.
Molecular consequence: frameshift variant.
Genome position (GRCh38, 1-based): chr16:89,546,660-89,546,670, GAGGCGGGAGA deleted; deleting any 11 consecutive bases within chr16:89,546,658-89,546,670 gives the same sequence; the c. name uses the placement nearest the transcript's 3' end. VCF-style (leftmost placement, unchanged base first): chr16-89546657-GGAGAGGCGGGA-G. GRCh37 (hg19) VCF-style: chr16-89613065-GGAGAGGCGGGA-G.
Other names: c.1452_1462del, p.Glu484fs (NM_001363850.1); short protein forms E484fs.
Identifiers: ClinVar variation 3242473 (VCV003242473.1).